The following is an entry in ClinVar:

ClinVar aggregate classification (germline): Likely pathogenic (1 of 4 stars; one submission).

Submission:

GeneDx
Classification: Likely pathogenic. Last evaluated: 2026-03-14. Review status: criteria provided, single submitter. Criteria: GeneDx Variant Classification Process June 2021. Collection method: clinical testing. Allele origin: germline.
Comment: Nonsense variant predicted to result in protein truncation or nonsense mediated decay in a gene for which loss of function is a known mechanism of disease; Not observed at significant frequency in large population cohorts (gnomAD); Has not been previously published as pathogenic or benign to our knowledge

NM_004444.5(EPHB4):c.2433G>A (p.Trp811Ter)

Genes: EPHB4 (EPH receptor B4; minus strand), LOC126860124 (CDK7 strongly-dependent group 2 enhancer GRCh37_chr7:100403701-100404900; plus strand). Cytogenetic location: 7q22.1.
Variant type: single nucleotide variant.
Coding change: c.2433G>A on transcript NM_004444.5 (MANE Select); coding-DNA position 2433, G replaced by A.
Protein change: p.Trp811Ter; replaces tryptophan 811 with a stop codon.
Molecular consequence: nonsense.
Genome position (GRCh38, 1-based): chr7:100,806,471, C>T on the plus strand (G>A on the coding strand, the complement: EPHB4 is on the minus strand). VCF-style: chr7-100806471-C-T. GRCh37 (hg19) VCF-style: chr7-100404093-C-T.
Other names: short protein forms W811*.
Identifiers: ClinVar variation 5009035 (VCV005009035.1).